The following is an entry in ClinVar:

NM_001376.5(DYNC1H1):c.12453A>T (p.Pro4151=)

Gene: DYNC1H1 (dynein cytoplasmic 1 heavy chain 1; plus strand). Cytogenetic location: 14q32.31.
Variant type: single nucleotide variant.
Coding change: c.12453A>T on transcript NM_001376.5 (MANE Select); coding-DNA position 12453, A replaced by T.
Protein change: p.Pro4151=; no amino-acid change (proline 4151 retained).
Molecular consequence: synonymous variant.
Genome position (GRCh38, 1-based): chr14:102,042,688, A>T. VCF-style: chr14-102042688-A-T. GRCh37 (hg19) VCF-style: chr14-102509025-A-T.
Identifiers: ClinVar variation 585807 (VCV000585807.22), dbSNP rs200375220, ClinGen allele CA7353935.

ClinVar aggregate classification (germline): Conflicting classifications of pathogenicity. Review status: criteria provided, conflicting classifications (1 of 4 stars). 8 submissions from 7 submitters: Uncertain significance (2); Benign (1); Likely benign (4). 1 of the submissions does not count toward it. Last evaluated 2025-09-30.

Conditions:
Charcot-Marie-Tooth disease axonal type 2O. Also called: CHARCOT-MARIE-TOOTH NEUROPATHY, AXONAL, TYPE 2O; CHARCOT-MARIE-TOOTH DISEASE, AXONAL, AUTOSOMAL DOMINANT, TYPE 2O; Charcot-Marie-Tooth disease, axonal, type 20; Charcot-Marie-Tooth Neuropathy Type 2O. Identifiers: Orphanet 284232, MedGen C3280220, MONDO:0013644, OMIM 614228.
Autosomal dominant cerebellar ataxia. Also called: Spinocerebellar Ataxia, Dominant. Identifiers: Orphanet 99, MedGen C4087347, MONDO:0020380.
DYNC1H1-related disorder. Also called: DYNC1H1-related condition; DYNC1H1-related disorders. Identifiers: MedGen CN381529.
Inborn genetic diseases. Identifiers: MedGen C0950123, MeSH D030342.

Allele frequency attached by ClinVar (database versions not stated): gnomAD 0.00005; ExAC 0.00008; TOPMed 0.00008; gnomAD exomes 0.00009; 1000 Genomes Project 0.00020; 1000 Genomes Project 30x 0.00031.
gnomAD v4.1: 99 of 1,614,202 alleles (0.0061%); highest among the groups gnomAD compares: Admixed American, 0.03%; no homozygotes.

Submissions (8):

Labcorp Genetics (formerly Invitae), Labcorp
Classification: Likely benign for Charcot-Marie-Tooth disease axonal type 2O. Last evaluated: 2025-09-30. Review status: criteria provided, single submitter. Criteria: Invitae Variant Classification Sherloc (09022015). Collection method: clinical testing. Allele origin: germline.

Blueprint Genetics
Classification: Likely benign. Last evaluated: 2024-10-18. Review status: criteria provided, single submitter. Criteria: ACMG Guidelines, 2015. Collection method: clinical testing. Allele origin: germline.

GeneDx
Classification: Likely benign. Last evaluated: 2021-04-21. Review status: criteria provided, single submitter. Criteria: GeneDx Variant Classification Process June 2021. Collection method: clinical testing. Allele origin: germline. Affected: yes.

Ambry Genetics
Classification: Likely benign for Inborn genetic diseases. Last evaluated: 2018-05-22. Review status: criteria provided, single submitter. Criteria: Ambry Variant Classification Scheme 2023. Collection method: clinical testing. Allele origin: germline.

Athena Diagnostics
Classification: Benign. Last evaluated: 2018-03-21. Review status: criteria provided, single submitter. Criteria: Athena Diagnostics Criteria. Collection method: clinical testing. Allele origin: germline.

Illumina Laboratory Services, Illumina
Classification: Uncertain significance for Charcot-Marie-Tooth disease axonal type 2O. Last evaluated: 2018-01-13. Review status: criteria provided, single submitter. Criteria: ICSL Variant Classification Criteria 13 December 2019. Collection method: clinical testing. Allele origin: germline.

Illumina Laboratory Services, Illumina
Classification: Uncertain significance for Spinocerebellar Ataxia, Dominant. Last evaluated: 2018-01-13. Review status: criteria provided, single submitter. Criteria: ICSL Variant Classification Criteria 13 December 2019. Collection method: clinical testing. Allele origin: germline.

PreventionGenetics, part of Exact Sciences
Classification: Likely benign for DYNC1H1-related condition. Last evaluated: 2024-03-14. Review status: no assertion criteria provided. Collection method: clinical testing. Allele origin: germline. Not counted in ClinVar's aggregate classification.
Comment: This variant is classified as likely benign based on ACMG/AMP sequence variant interpretation guidelines (Richards et al. 2015 PMID: 25741868, with internal and published modifications).